The following is an entry in ClinVar:

NM_002230.4(JUP):c.724G>T (p.Val242Phe)

Gene: JUP (junction plakoglobin; minus strand). Cytogenetic location: 17q21.2.
Variant type: single nucleotide variant.
Coding change: c.724G>T on transcript NM_002230.4 (MANE Select); coding-DNA position 724, G replaced by T.
Protein change: p.Val242Phe; replaces valine 242 with phenylalanine.
Molecular consequence: missense variant.
Genome position (GRCh38, 1-based): chr17:41,767,564, C>A on the plus strand (G>T on the coding strand, the complement: JUP is on the minus strand). VCF-style: chr17-41767564-C-A. GRCh37 (hg19) VCF-style: chr17-39923816-C-A.
Other names: c.724G>T, p.Val242Phe (NM_001352773.2, NM_001352774.2, NM_001352775.2 and 3 more transcripts); short protein forms V242F.
Identifiers: ClinVar variation 2633505 (VCV002633505.3), dbSNP rs1555604610, ClinGen allele CA399501723.
Genomic context (GRCh38, chr17:41,767,564, plus strand): 5'-TCTTGGCGCCCTCCTGGTACAGGAGCAGGTTGTGCAGCGTGGTGATGGCATAGAACAGGA[C>A]CGACTCCACAGGGGAGCTGGGGGGGTGGGCAGGGGTTAGTACGCTGAGGTCCCAGAGGCC-3'
Protein context (NP_002221.1, residues 232-252): VRMLSSPVES[Val242Phe]LFYAITTLHN

ClinVar aggregate classification (germline): Uncertain significance. Review status: criteria provided, multiple submitters, no conflicts (2 of 4 stars). 2 submissions from 2 submitters: Uncertain significance (2). Last evaluated 2024-12-17.

Conditions:
JUP-related disorder. Also called: JUP-related condition.
Naxos disease (NXD). Also called: KERATOSIS PALMOPLANTARIS WITH ARRHYTHMOGENIC CARDIOMYOPATHY; MAL DE NAXOS; PALMOPLANTAR KERATODERMA WITH ARRHYTHMOGENIC RIGHT VENTRICULAR CARDIOMYOPATHY AND WOOLLY HAIR; CARDIOMYOPATHY, ARRHYTHMOGENIC RIGHT VENTRICULAR, WITH SKIN, HAIR, AND NAIL ABNORMALITIES; WOOLLY HAIR, PALMOPLANTAR KERATODERMA, AND CARDIAC ABNORMALITIES. Identifiers: Orphanet 34217, MedGen C1832600, MONDO:0011017, OMIM 601214.
Arrhythmogenic right ventricular dysplasia 12. Also called: ARRHYTHMOGENIC RIGHT VENTRICULAR DYSPLASIA, FAMILIAL, 12. Identifiers: MedGen C1969081, MONDO:0012684, OMIM 611528.

gnomAD v4.1: 1 of 1,612,896 alleles (0.000062%); highest among the groups gnomAD compares: Admixed American, 0.0017%; no homozygotes.

Submissions (2):

Labcorp Genetics (formerly Invitae), Labcorp
Classification: Uncertain significance for Arrhythmogenic right ventricular dysplasia 12; Naxos disease. Last evaluated: 2024-12-17. Review status: criteria provided, single submitter. Criteria: Invitae Variant Classification Sherloc (09022015). Collection method: clinical testing. Allele origin: germline.
Comment: This sequence change replaces valine, which is neutral and non-polar, with phenylalanine, which is neutral and non-polar, at codon 242 of the JUP protein (p.Val242Phe). The frequency data for this variant in the population databases is considered unreliable, as metrics indicate poor data quality at this position in the gnomAD database. This variant has not been reported in the literature in individuals affected with JUP-related conditions. ClinVar contains an entry for this variant (Variation ID: 2633505). An algorithm developed to predict the effect of missense changes on protein structure and function (PolyPhen-2) suggests that this variant is likely to be disruptive. In summary, the available evidence is currently insufficient to determine the role of this variant in disease. Therefore, it has been classified as a Variant of Uncertain Significance.

PreventionGenetics, part of Exact Sciences
Classification: Uncertain significance for JUP-related condition. Last evaluated: 2023-03-20. Review status: criteria provided, single submitter. Criteria: ACMG Guidelines, 2015. Collection method: clinical testing. Allele origin: germline.
Comment: The JUP c.724G>T variant is predicted to result in the amino acid substitution p.Val242Phe. To our knowledge, this variant has not been reported in the literature. This variant is reported in 0.0029% of alleles in individuals of Latino descent in gnomAD. At this time, the clinical significance of this variant is uncertain due to the absence of conclusive functional and genetic evidence.